The following is an entry in ClinVar:

ClinVar aggregate classification (germline): Pathogenic (1 of 4 stars; one submission).

Conditions:
Ehlers-Danlos syndrome, classic type, 1 (EDSCL1). Also called: EHLERS-DANLOS SYNDROME, GRAVIS TYPE; EHLERS-DANLOS SYNDROME, SEVERE CLASSIC TYPE; Ehlers-Danlos syndrome, type 1; Ehlers-Danlos Syndrome, Classic Type, COL5A1-Related; EDS I. Identifiers: MedGen C0268335, MONDO:0019567, OMIM 130000.

Submission:

Labcorp Genetics (formerly Invitae), Labcorp
Classification: Pathogenic for Ehlers-Danlos syndrome, classic type, 1. Last evaluated: 2025-10-19. Review status: criteria provided, single submitter. Criteria: Invitae Variant Classification Sherloc (09022015). Collection method: clinical testing. Allele origin: germline.
Comment: This sequence change creates a premature translational stop signal (p.Pro1304Thrfs*29) in the COL5A1 gene. It is expected to result in an absent or disrupted protein product. Loss-of-function variants in COL5A1 are known to be pathogenic (PMID: 23587214). This variant is not present in population databases (gnomAD no frequency). This premature translational stop signal has been observed in individual(s) with COL5A1-related conditions (PMID: 10796876). For these reasons, this variant has been classified as Pathogenic.

Literature cited by the submitters: PubMed 23587214; PubMed 10796876.

NM_000093.5(COL5A1):c.3905dup (p.Pro1304fs)

Gene: COL5A1 (collagen type V alpha 1 chain; plus strand). Cytogenetic location: 9q34.3.
Variant type: Duplication.
Coding change: c.3905dup on transcript NM_000093.5 (MANE Select); coding-DNA position 3905, one base duplicated (C; older notation c.3905dupC).
Protein change: p.Pro1304fs; shifts the reading frame from proline 1304.
Molecular consequence: frameshift variant.
Genome position (GRCh38, 1-based): chr9:134,814,035, C duplicated; the last of 6 consecutive C bases (chr9:134,814,030-134,814,035); duplicating any one gives the same sequence. VCF-style (leftmost placement, unchanged base first): chr9-134814029-G-GC. GRCh37 (hg19) VCF-style: chr9-137705875-G-GC.
Other names: c.3905dup, p.Pro1304fs (NM_001278074.1); short protein forms P1304fs.
Identifiers: ClinVar variation 4709719 (VCV004709719.1).